The following is an entry in ClinVar:

NM_001130009.3(GEN1):c.1543C>G (p.Pro515Ala)

Gene: GEN1 (GEN1 structure-specific endonuclease; plus strand). Cytogenetic location: 2p24.2.
Variant type: single nucleotide variant.
Coding change: c.1543C>G on transcript NM_001130009.3 (MANE Select); coding-DNA position 1543, C replaced by G.
Protein change: p.Pro515Ala; replaces proline 515 with alanine.
Molecular consequence: missense variant.
Genome position (GRCh38, 1-based): chr2:17,780,755, C>G. VCF-style: chr2-17780755-C-G. GRCh37 (hg19) VCF-style: chr2-17962022-C-G.
Other names: c.1543C>G, p.Pro515Ala (NM_182625.5); c.1543C>G (NM_001130009.1); short protein forms P515A.
Identifiers: ClinVar variation 1478726 (VCV001478726.10), dbSNP rs1232384158, ClinGen allele CA345926090.

ClinVar aggregate classification (germline): Uncertain significance. Review status: criteria provided, multiple submitters, no conflicts (2 of 4 stars). 2 submissions from 2 submitters: Uncertain significance (2). Last evaluated 2026-08-04.

Allele frequency attached by ClinVar (database versions not stated): gnomAD exomes below 0.00001.
gnomAD v4.1: 1 of 1,613,986 alleles (0.000062%); no homozygotes.

Submissions (2):

Ambry Genetics
Classification: Uncertain significance. Last evaluated: 2026-08-04. Review status: criteria provided, single submitter. Criteria: Ambry Variant Classification Scheme 2023. Collection method: clinical testing. Allele origin: germline.
Comment: The p.P515A variant (also known as c.1543C>G), located in coding exon 13 of the GEN1 gene, results from a C to G substitution at nucleotide position 1543. The proline at codon 515 is replaced by alanine, an amino acid with highly similar properties. This amino acid position is conserved. In addition, this alteration is predicted to be tolerated by in silico analysis. Based on the available evidence, the clinical significance of this variant remains unclear.

Labcorp Genetics (formerly Invitae), Labcorp
Classification: Uncertain significance. Last evaluated: 2022-07-12. Review status: criteria provided, single submitter. Criteria: Invitae Variant Classification Sherloc (09022015). Collection method: clinical testing. Allele origin: germline.
Comment: In summary, the available evidence is currently insufficient to determine the role of this variant in disease. Therefore, it has been classified as a Variant of Uncertain Significance. Algorithms developed to predict the effect of missense changes on protein structure and function (SIFT, PolyPhen-2, Align-GVGD) all suggest that this variant is likely to be tolerated. ClinVar contains an entry for this variant (Variation ID: 1478726). This variant has not been reported in the literature in individuals affected with GEN1-related conditions. This variant is present in population databases (no rsID available, gnomAD 0.004%). This sequence change replaces proline, which is neutral and non-polar, with alanine, which is neutral and non-polar, at codon 515 of the GEN1 protein (p.Pro515Ala).